The following is an entry in ClinVar:

NM_138387.4(G6PC3):c.39G>C (p.Glu13Asp)

Gene: G6PC3 (glucose-6-phosphatase catalytic subunit 3; plus strand). Cytogenetic location: 17q21.31.
Variant type: single nucleotide variant.
Coding change: c.39G>C on transcript NM_138387.4 (MANE Select); coding-DNA position 39, G replaced by C.
Protein change: p.Glu13Asp; replaces glutamic acid 13 with aspartic acid.
Molecular consequence: missense variant. On other transcripts: 5 prime UTR variant (3), intron variant (1).
Genome position (GRCh38, 1-based): chr17:44,071,004, G>C. VCF-style: chr17-44071004-G-C. GRCh37 (hg19) VCF-style: chr17-42148372-G-C.
Other names: c.39G>C, p.Glu13Asp (NM_001319945.2); c.-366G>C (NM_001384165.1); c.-501G>C (NM_001384166.1); c.-491G>C (NM_001384167.1); c.-312+290G>C (NM_001384168.1); short protein forms E13D.
Identifiers: ClinVar variation 4260983 (VCV004260983.1).
Genomic context (GRCh38, chr17:44,071,004, plus strand): 5'-CCTGGTCGGCAGCTGGGCCGCCATGGAGTCCACGCTGGGCGCGGGCATCGTGATAGCCGA[G>C]GCGCTACAGAACCAGCTAGCCTGGCTGGAGAACGTGTGGCTCTGGATCACCTTTCTGGGC-3'
Protein context (NP_612396.1, residues 3-23): STLGAGIVIA[Glu13Asp]ALQNQLAWLE

ClinVar aggregate classification (germline): Uncertain significance (1 of 4 stars; one submission).

Conditions:
Inborn genetic diseases. Identifiers: MedGen C0950123, MeSH D030342.

Submission:

Ambry Genetics
Classification: Uncertain significance for Inborn genetic diseases. Last evaluated: 2025-07-15. Review status: criteria provided, single submitter. Criteria: Ambry Variant Classification Scheme 2023. Collection method: clinical testing. Allele origin: germline.
Comment: The p.E13D variant (also known as c.39G>C), located in coding exon 1 of the G6PC3 gene, results from a G to C substitution at nucleotide position 39. The glutamic acid at codon 13 is replaced by aspartic acid, an amino acid with highly similar properties. This amino acid position is conserved. In addition, the in silico prediction for this alteration is inconclusive. Based on the available evidence, the clinical significance of this variant remains unclear.